The following is an entry in ClinVar:

ClinVar aggregate classification (germline): Uncertain significance. Review status: criteria provided, multiple submitters, no conflicts (2 of 4 stars). 2 submissions from 2 submitters: Uncertain significance (2). Last evaluated 2026-03-14.

Conditions:
Heterotopia, periventricular, X-linked dominant (PVNH1). Also called: PERIVENTRICULAR NODULAR HETEROTOPIA 1; PERIVENTRICULAR NODULAR HETEROTOPIA 4; HETEROTOPIA, PERIVENTRICULAR, 1; X-linked periventricular heterotopia. Identifiers: Orphanet 2149, Orphanet 82004, MedGen C1848213, MONDO:0010233, OMIM 300049.
Melnick-Needles syndrome (MNS). Also called: Melnick-Needles Syndrome (FLNA-MNS); MELNICK-NEEDLES OSTEODYSPLASTY; OSTEODYSPLASTY OF MELNICK AND NEEDLES. Identifiers: Orphanet 2484, MedGen C0025237, MONDO:0010650, OMIM 309350.
Oto-palato-digital syndrome, type II (OPD2). Also called: Otopalatodigital Syndrome Type 2 (FLNA-OPD2); Otopalatodigital Syndrome, Type II; FACIOPALATOOSSEOUS SYNDROME; OPD II SYNDROME. Identifiers: Orphanet 669, Orphanet 90652, MedGen C1844696, MONDO:0010571, OMIM 304120.
Frontometaphyseal dysplasia (FMD1). Identifiers: Orphanet 1826, MedGen C0265293, MONDO:0015942.

Submissions (2):

GeneDx
Classification: Uncertain significance. Last evaluated: 2026-03-14. Review status: criteria provided, single submitter. Criteria: GeneDx Variant Classification Process June 2021. Collection method: clinical testing. Allele origin: germline.
Comment: Not observed at significant frequency in large population cohorts (gnomAD); In silico analysis supports that this missense variant has a deleterious effect on protein structure/function; Has not been previously published as pathogenic or benign to our knowledge

Labcorp Genetics (formerly Invitae), Labcorp
Classification: Uncertain significance for Oto-palato-digital syndrome, type II; Heterotopia, periventricular, X-linked dominant; Frontometaphyseal dysplasia; Melnick-Needles syndrome. Last evaluated: 2024-08-27. Review status: criteria provided, single submitter. Criteria: Invitae Variant Classification Sherloc (09022015). Collection method: clinical testing. Allele origin: germline.
Comment: This sequence change replaces proline, which is neutral and non-polar, with leucine, which is neutral and non-polar, at codon 1395 of the FLNA protein (p.Pro1395Leu). This variant is not present in population databases (gnomAD no frequency). This variant has not been reported in the literature in individuals affected with FLNA-related conditions. Invitae Evidence Modeling of protein sequence and biophysical properties (such as structural, functional, and spatial information, amino acid conservation, physicochemical variation, residue mobility, and thermodynamic stability) has been performed for this missense variant. However, the output from this modeling did not meet the statistical confidence thresholds required to predict the impact of this variant on FLNA protein function. In summary, the available evidence is currently insufficient to determine the role of this variant in disease. Therefore, it has been classified as a Variant of Uncertain Significance.

NM_001110556.2(FLNA):c.4184C>T (p.Pro1395Leu)

Gene: FLNA (filamin A; minus strand). Cytogenetic location: Xq28.
Variant type: single nucleotide variant.
Coding change: c.4184C>T on transcript NM_001110556.2 (MANE Select); coding-DNA position 4184, C replaced by T.
Protein change: p.Pro1395Leu; replaces proline 1395 with leucine.
Molecular consequence: missense variant.
Genome position (GRCh38, 1-based): chrX:154,359,365, G>A on the plus strand (C>T on the coding strand, the complement: FLNA is on the minus strand). VCF-style: chrX-154359365-G-A. GRCh37 (hg19) VCF-style: chrX-153587733-G-A.
Other names: c.4184C>T (NM_001456.3); c.4184C>T, p.Pro1395Leu (NM_001456.4); short protein forms P1395L.
Identifiers: ClinVar variation 3749279 (VCV003749279.3).